The following is an entry in ClinVar:

NM_203447.4(DOCK8):c.1097C>T (p.Thr366Met)

Gene: DOCK8 (dedicator of cytokinesis 8; plus strand). Cytogenetic location: 9p24.3.
Variant type: single nucleotide variant.
Coding change: c.1097C>T on transcript NM_203447.4 (MANE Select); coding-DNA position 1097, C replaced by T.
Protein change: p.Thr366Met; replaces threonine 366 with methionine.
Molecular consequence: missense variant.
Genome position (GRCh38, 1-based): chr9:332,450, C>T. VCF-style: chr9-332450-C-T. GRCh37 (hg19) VCF-style: chr9-332450-C-T.
Other names: c.893C>T, p.Thr298Met (NM_001190458.2, NM_001193536.2); short protein forms T298M, T366M.
Identifiers: ClinVar variation 734167 (VCV000734167.19), dbSNP rs367543787, ClinGen allele CA4957600.

ClinVar aggregate classification (germline): Likely benign. Review status: criteria provided, multiple submitters, no conflicts (2 of 4 stars). 3 submissions from 3 submitters: Likely benign (3). Last evaluated 2026-01-18.

Conditions:
Combined immunodeficiency due to DOCK8 deficiency (HIES2). Also called: HYPER-IgE RECURRENT INFECTION SYNDROME 2, AUTOSOMAL RECESSIVE; DOCK8 Deficiency; HIES autosomal recessive; Hyper-IgE recurrent infection syndrome, autosomal recessive; HYPER-IgE SYNDROME 2, AUTOSOMAL RECESSIVE, WITH RECURRENT INFECTIONS. Identifiers: Orphanet 217390, MedGen C4722305, MONDO:0009478, OMIM 243700.
Inborn genetic diseases. Identifiers: MedGen C0950123, MeSH D030342.

Allele frequency attached by ClinVar (database versions not stated): gnomAD 0.00009; ExAC 0.00012; TOPMed 0.00012; ESP Exome Variant Server 0.00015; gnomAD exomes 0.00016.
gnomAD v4.1: 240 of 1,612,776 alleles (0.015%); highest among the groups gnomAD compares: Middle Eastern, 0.049%; no homozygotes.

Submissions (3):

Labcorp Genetics (formerly Invitae), Labcorp
Classification: Likely benign for Combined immunodeficiency due to DOCK8 deficiency. Last evaluated: 2026-01-18. Review status: criteria provided, single submitter. Criteria: Invitae Variant Classification Sherloc (09022015). Collection method: clinical testing. Allele origin: germline.

CeGaT Center for Human Genetics Tuebingen
Classification: Likely benign. Last evaluated: 2025-07-01. Review status: criteria provided, single submitter. Criteria: CeGaT Center For Human Genetics Tuebingen Variant Classification Criteria Version 2. Collection method: clinical testing. Allele origin: germline. Affected: yes. Observed: 2 variant alleles.
Comment: DOCK8: BP4

Ambry Genetics
Classification: Likely benign for Inborn genetic diseases. Last evaluated: 2021-07-14. Review status: criteria provided, single submitter. Criteria: Ambry Variant Classification Scheme 2023. Collection method: clinical testing. Allele origin: germline.